The following is an entry in ClinVar:

ClinVar aggregate classification (germline): Benign. Review status: criteria provided, multiple submitters, no conflicts (2 of 4 stars). 4 submissions from 4 submitters: Benign (3). 1 of the submissions does not count toward it. Last evaluated 2026-02-01.

Conditions:
Inclusion body myopathy with early-onset Paget disease with or without frontotemporal dementia 2 (IBMPFD2). Also called: MULTISYSTEM PROTEINOPATHY 2. Identifiers: MedGen C3809468, MONDO:0014178, OMIM 615422.
HNRNPA2B1-related disorder. Also called: HNRNPA2B1-related condition.

Allele frequency attached by ClinVar (database versions not stated): ESP Exome Variant Server 0.00008; TOPMed 0.00017; ExAC 0.00364; 1000 Genomes Project 0.00639; 1000 Genomes Project 30x 0.00640.

Submissions (4):

Labcorp Genetics (formerly Invitae), Labcorp
Classification: Benign for Inclusion body myopathy with early-onset Paget disease with or without frontotemporal dementia 2. Last evaluated: 2026-02-01. Review status: criteria provided, single submitter. Criteria: Invitae Variant Classification Sherloc (09022015). Collection method: clinical testing. Allele origin: germline.

Mayo Clinic Laboratories, Mayo Clinic
Classification: Benign. Last evaluated: 2025-01-28. Review status: criteria provided, single submitter. Criteria: ACMG Guidelines, 2015. Collection method: clinical testing. Allele origin: germline. Observed: 2 variant alleles.
Comment: BS1, BS2, BP4, BP7

GeneDx
Classification: Benign. Last evaluated: 2021-06-30. Review status: criteria provided, single submitter. Criteria: GeneDx Variant Classification Process June 2021. Collection method: clinical testing. Allele origin: germline. Affected: yes.

PreventionGenetics, part of Exact Sciences
Classification: Benign for HNRNPA2B1-related condition. Last evaluated: 2024-08-08. Review status: no assertion criteria provided. Collection method: clinical testing. Allele origin: germline. Not counted in ClinVar's aggregate classification.
Comment: This variant is classified as benign based on ACMG/AMP sequence variant interpretation guidelines (Richards et al. 2015 PMID: 25741868, with internal and published modifications).

NM_002137.4(HNRNPA2B1):c.659-7C>G

Gene: HNRNPA2B1 (heterogeneous nuclear ribonucleoprotein A2/B1; minus strand). Cytogenetic location: 7p15.2.
Variant type: single nucleotide variant.
Coding change: c.659-7C>G on transcript NM_002137.4 (MANE Select); 7 bases into the intron before coding-DNA position 659, C replaced by G.
Molecular consequence: intron variant.
Genome position (GRCh38, 1-based): chr7:26,195,916, G>C on the plus strand (C>G on the coding strand, the complement: HNRNPA2B1 is on the minus strand). VCF-style: chr7-26195916-G-C. GRCh37 (hg19) VCF-style: chr7-26235536-G-C.
Other names: p.?; c.659-7C>G (NM_001438578.1, NM_001438576.1, NM_001438575.1 and 4 more transcripts); c.695-7C>G (NM_001438574.1, NM_001438573.1, NM_001438568.1 and 4 more transcripts).
Identifiers: ClinVar variation 703967 (VCV000703967.14), dbSNP rs199606705, ClinGen allele CA4194520.
Genomic context (GRCh38, chr7:26,195,916, plus strand): 5'-CTCCTCCATACCCATTATAGCCATCCCCAAATCCACGTCCACTGCCATATCCATCTGTTA[G>C]GGGCCAAAAAAAGATTACGTTTACTATAAACTGTTCAGCATTATTGCTAATATTCATTTT-3'